The following is an entry in ClinVar:

NM_030912.3(TRIM8):c.35A>C (p.Glu12Ala)

Gene: TRIM8 (tripartite motif containing 8; plus strand). Cytogenetic location: 10q24.32.
Variant type: single nucleotide variant.
Coding change: c.35A>C on transcript NM_030912.3 (MANE Select); coding-DNA position 35, A replaced by C.
Protein change: p.Glu12Ala; replaces glutamic acid 12 with alanine.
Molecular consequence: missense variant. On other transcripts: non-coding transcript variant (1).
Genome position (GRCh38, 1-based): chr10:102,644,652, A>C. VCF-style: chr10-102644652-A-C. GRCh37 (hg19) VCF-style: chr10-104404409-A-C.
Other names: c.35A>C, p.Glu12Ala (NM_001345950.1); short protein forms E12A.
Identifiers: ClinVar variation 1331611 (VCV001331611.4), dbSNP rs2135973577, ClinGen allele CA377923811.
Genomic context (GRCh38, chr10:102,644,652, plus strand): 5'-GCCCCGGCCCCCTGCCCGCGGCCGCCATGGCGGAGAATTGGAAGAACTGCTTCGAGGAGG[A>C]GCTCATCTGCCCTATCTGCCTGCACGTTTTCGTGGAGCCAGTGCAGCTGCCGTGCAAACA-3'
Protein context (NP_112174.2, residues 2-22): AENWKNCFEE[Glu12Ala]LICPICLHVF

ClinVar aggregate classification (germline): Uncertain significance (1 of 4 stars; one submission).

Submission:

Greenwood Genetic Center Diagnostic Laboratories, Greenwood Genetic Center
Classification: Uncertain significance. Last evaluated: 2021-03-11. Review status: criteria provided, single submitter. Criteria: ACMG Guidelines, 2015. Collection method: clinical testing. Allele origin: germline. Affected: yes.
Comment: PS2, PM2, PP3; missense variants have not yet been associated with disease so VUS